The following is an entry in ClinVar:

NM_144596.4(TTC8):c.1382C>T (p.Ala461Val)

Gene: TTC8 (tetratricopeptide repeat domain 8; plus strand). Cytogenetic location: 14q31.3.
Variant type: single nucleotide variant.
Coding change: c.1382C>T on transcript NM_144596.4 (MANE Select); coding-DNA position 1382, C replaced by T.
Protein change: p.Ala461Val; replaces alanine 461 with valine.
Molecular consequence: missense variant. On other transcripts: non-coding transcript variant (1), intron variant (2).
Genome position (GRCh38, 1-based): chr14:88,875,060, C>T. VCF-style: chr14-88875060-C-T. GRCh37 (hg19) VCF-style: chr14-89341404-C-T.
Other names: c.1430C>T, p.Ala477Val (NM_001288781.1); c.788C>T, p.Ala263Val (NM_001288782.1); c.665C>T, p.Ala222Val (NM_001288783.1); c.1352C>T, p.Ala451Val (NM_198309.3); c.1262C>T, p.Ala421Val (NM_198310.3); c.1318-2234C>T (NM_001366535.2); c.1228-2234C>T (NM_001366536.2); c.1382C>T (NM_144596.3); short protein forms A451V, A461V, A222V, A263V, A421V, A477V.
Identifiers: ClinVar variation 314802 (VCV000314802.16), dbSNP rs139195149, ClinGen allele CA7302744.

ClinVar aggregate classification (germline): Uncertain significance. Review status: criteria provided, multiple submitters, no conflicts (2 of 4 stars). 6 submissions from 5 submitters: Uncertain significance (6). Last evaluated 2026-03-10.

Conditions:
TTC8-related disorder. Also called: TTC8-related condition.
Inborn genetic diseases. Identifiers: MedGen C0950123, MeSH D030342.
Bardet-Biedl syndrome (BBS). Identifiers: Orphanet 110, MedGen C0752166, MONDO:0015229.
Bardet-Biedl syndrome 8 (BBS8). Identifiers: Orphanet 110, MedGen C1859566, MONDO:0014436, OMIM 615985.
Retinitis pigmentosa (RP). Identifiers: Orphanet 791, MedGen C0035334, MeSH D012174, MONDO:0019200, OMIM 268000. Inheritance: Autosomal dominant, autosomal recessive and X linked inheritance.

Allele frequency attached by ClinVar (database versions not stated): gnomAD 0.00002 and 0.00003; ExAC 0.00003; gnomAD exomes 0.00004 and 0.00009; TOPMed 0.00005; ESP Exome Variant Server 0.00031.
gnomAD v4.1: 131 of 1,612,696 alleles (0.0081%); highest among the groups gnomAD compares: Non-Finnish European, 0.011%; no homozygotes.

Submissions (6):

PreventionGenetics, part of Exact Sciences
Classification: Uncertain significance for TTC8-related condition. Last evaluated: 2026-03-10. Review status: criteria provided, single submitter. Criteria: ACMG Guidelines, 2015. Collection method: clinical testing. Allele origin: germline.
Comment: The TTC8 c.1382C>T variant is predicted to result in the amino acid substitution p.Ala461Val. To our knowledge, this variant has not been reported in the literature. This variant is reported in 0.0097% of alleles in individuals of European (Non-Finnish) descent in gnomAD. At this time, the clinical significance of this variant is uncertain due to the absence of conclusive functional and genetic evidence.

Ambry Genetics
Classification: Uncertain significance for Inborn genetic diseases. Last evaluated: 2025-08-01. Review status: criteria provided, single submitter. Criteria: Ambry Variant Classification Scheme 2023. Collection method: clinical testing. Allele origin: germline.

Blueprint Genetics
Classification: Uncertain significance. Last evaluated: 2023-12-01. Review status: criteria provided, single submitter. Criteria: ACMG Guidelines, 2015. Collection method: clinical testing. Allele origin: germline.

Labcorp Genetics (formerly Invitae), Labcorp
Classification: Uncertain significance for Bardet-Biedl syndrome. Last evaluated: 2022-08-09. Review status: criteria provided, single submitter. Criteria: Invitae Variant Classification Sherloc (09022015). Collection method: clinical testing. Allele origin: germline.
Comment: This sequence change replaces alanine, which is neutral and non-polar, with valine, which is neutral and non-polar, at codon 451 of the TTC8 protein (p.Ala451Val). This variant is present in population databases (rs139195149, gnomAD 0.008%). This variant has not been reported in the literature in individuals affected with TTC8-related conditions. ClinVar contains an entry for this variant (Variation ID: 314802). Algorithms developed to predict the effect of missense changes on protein structure and function (SIFT, PolyPhen-2, Align-GVGD) all suggest that this variant is likely to be tolerated. In summary, the available evidence is currently insufficient to determine the role of this variant in disease. Therefore, it has been classified as a Variant of Uncertain Significance.

Illumina Laboratory Services, Illumina
Classification: Uncertain significance for Bardet-Biedl syndrome 8. Last evaluated: 2018-01-12. Review status: criteria provided, single submitter. Criteria: ICSL Variant Classification Criteria 13 December 2019. Collection method: clinical testing. Allele origin: germline.

Illumina Laboratory Services, Illumina
Classification: Uncertain significance for Retinitis pigmentosa. Last evaluated: 2018-01-12. Review status: criteria provided, single submitter. Criteria: ICSL Variant Classification Criteria 13 December 2019. Collection method: clinical testing. Allele origin: germline.